The following is an entry in ClinVar:

NM_015335.5(MED13L):c.278A>C (p.Asn93Thr)

Gene: MED13L (mediator complex subunit 13L; minus strand). Cytogenetic location: 12q24.21.
Variant type: single nucleotide variant.
Coding change: c.278A>C on transcript NM_015335.5 (MANE Select); coding-DNA position 278, A replaced by C.
Protein change: p.Asn93Thr; replaces asparagine 93 with threonine.
Molecular consequence: missense variant.
Genome position (GRCh38, 1-based): chr12:116,237,500, T>G on the plus strand (A>C on the coding strand, the complement: MED13L is on the minus strand). VCF-style: chr12-116237500-T-G. GRCh37 (hg19) VCF-style: chr12-116675305-T-G.
Other names: short protein forms N93T.
Identifiers: ClinVar variation 3573818 (VCV003573818.1).

ClinVar aggregate classification (germline): Uncertain significance (1 of 4 stars; one submission).

Submission:

GeneDx
Classification: Uncertain significance. Last evaluated: 2024-07-15. Review status: criteria provided, single submitter. Criteria: GeneDx Variant Classification Process June 2021. Collection method: clinical testing. Allele origin: germline. Affected: yes.
Comment: Not observed at significant frequency in large population cohorts (gnomAD); In silico analysis supports that this missense variant has a deleterious effect on protein structure/function; Has not been previously published as pathogenic or benign to our knowledge